The following is an entry in ClinVar:

ClinVar aggregate classification (germline): Uncertain significance (1 of 4 stars; one submission).

Conditions:
Renal carnitine transport defect (CDSP). Also called: Systemic primary carnitine deficiency; Systemic primary carnitine deficiency disease; Primary carnitine deficiency; Carnitine transporter deficiency; Carnitine Deficiency, Systemic; CARNITINE DEFICIENCY, SYSTEMIC, DUE TO DEFECT IN RENAL REABSORPTION OF CARNITINE. Identifiers: Orphanet 158, MedGen C0342788, MONDO:0008919, OMIM 212140.

Submission:

Labcorp Genetics (formerly Invitae), Labcorp
Classification: Uncertain significance for Renal carnitine transport defect. Last evaluated: 2020-08-14. Review status: criteria provided, single submitter. Criteria: Invitae Variant Classification Sherloc (09022015). Collection method: clinical testing. Allele origin: germline.
Comment: In summary, the available evidence is currently insufficient to determine the role of this variant in disease. Therefore, it has been classified as a Variant of Uncertain Significance. Nucleotide substitutions within the consensus splice site are a relatively common cause of aberrant splicing (PMID: 17576681, 9536098). Algorithms developed to predict the effect of sequence changes on RNA splicing suggest that this variant may disrupt the consensus splice site, but this prediction has not been confirmed by published transcriptional studies. This variant has not been reported in the literature in individuals with SLC22A5-related conditions. This variant is not present in population databases (ExAC no frequency). This sequence change falls in intron 8 of the SLC22A5 gene. It does not directly change the encoded amino acid sequence of the SLC22A5 protein, but it affects a nucleotide within the consensus splice site of the intron.

Literature cited by the submitters: PubMed 17576681; PubMed 9536098.

NM_003060.4(SLC22A5):c.1451-3T>A

Gene: SLC22A5 (solute carrier family 22 member 5; plus strand). Cytogenetic location: 5q31.1.
Variant type: single nucleotide variant.
Coding change: c.1451-3T>A on transcript NM_003060.4 (MANE Select); 3 bases into the intron before coding-DNA position 1451, T replaced by A.
Molecular consequence: intron variant.
Genome position (GRCh38, 1-based): chr5:132,393,673, T>A. VCF-style: chr5-132393673-T-A. GRCh37 (hg19) VCF-style: chr5-131729365-T-A.
Other names: c.1523-3T>A (NM_001308122.2).
Identifiers: ClinVar variation 1051453 (VCV001051453.6), dbSNP rs760324689, ClinGen allele CA2499217563.